The following is an entry in ClinVar:

ClinVar aggregate classification (germline): Uncertain significance (1 of 4 stars; one submission).

Submission:

Labcorp Genetics (formerly Invitae), Labcorp
Classification: Uncertain significance. Last evaluated: 2020-09-02. Review status: criteria provided, single submitter. Criteria: Invitae Variant Classification Sherloc (09022015). Collection method: clinical testing. Allele origin: germline.
Comment: This sequence change replaces leucine with proline at codon 2211 of the POLE protein (p.Leu2211Pro). The leucine residue is moderately conserved and there is a moderate physicochemical difference between leucine and proline. This variant is not present in population databases (ExAC no frequency) and has not been reported in the literature in individuals with a POLE-related disease. Algorithms developed to predict the effect of missense changes on protein structure and function do not agree on the potential impact of this missense change (SIFT: "Deleterious"; PolyPhen-2: "Possibly Damaging"; Align-GVGD: "Class C0"). In summary, this variant is a novel missense change with uncertain impact on protein function. It has been classified as a Variant of Uncertain Significance.

NM_006231.4(POLE):c.6632T>C (p.Leu2211Pro)

Gene: POLE (DNA polymerase epsilon, catalytic subunit; minus strand). Cytogenetic location: 12q24.33.
Variant type: single nucleotide variant.
Coding change: c.6632T>C on transcript NM_006231.4 (MANE Select); coding-DNA position 6632, T replaced by C.
Protein change: p.Leu2211Pro; replaces leucine 2211 with proline.
Molecular consequence: missense variant.
Genome position (GRCh38, 1-based): chr12:132,625,670, A>G on the plus strand (T>C on the coding strand, the complement: POLE is on the minus strand). VCF-style: chr12-132625670-A-G. GRCh37 (hg19) VCF-style: chr12-133202256-A-G.
Other names: short protein forms L2211P.
Identifiers: ClinVar variation 405788 (VCV000405788.10), dbSNP rs1060500848, ClinGen allele CA16613565.
Genomic context (GRCh38, chr12:132,625,670, plus strand): 5'-CCAGGGCACACGGGCAGGCGGCATGCACGACTCACCAGGTCCTGCAGGGTGAAGGCCATC[A>G]GCTTCTTCTGTAGAACTTCCACCAGCGTCATCTCGATGGCAGAGGAGTCGTAGGGCGCCT-3'
Protein context (NP_006222.2, residues 2201-2221): MTLVEVLQKK[Leu2211Pro]MAFTLQDLVC